The following is an entry in ClinVar:

ClinVar aggregate classification (germline): Uncertain significance (1 of 4 stars; one submission).

gnomAD v4.1: 1 of 1,614,106 alleles (0.000062%); highest among the groups gnomAD compares: Admixed American, 0.0017%; no homozygotes.

Submission:

Labcorp Genetics (formerly Invitae), Labcorp
Classification: Uncertain significance. Last evaluated: 2026-01-19. Review status: criteria provided, single submitter. Criteria: Invitae Variant Classification Sherloc (09022015). Collection method: clinical testing. Allele origin: germline.
Comment: This sequence change replaces aspartic acid, which is acidic and polar, with histidine, which is basic and polar, at codon 902 of the KCNH1 protein (p.Asp902His). This variant is present in population databases (no rsID available, gnomAD 0.003%). This variant has not been reported in the literature in individuals affected with KCNH1-related conditions. ClinVar contains an entry for this variant (Variation ID: 2190528). Invitae Evidence Modeling of protein sequence and biophysical properties (such as structural, functional, and spatial information, amino acid conservation, physicochemical variation, residue mobility, and thermodynamic stability) has been performed for this missense variant. However, the output from this modeling did not meet the statistical confidence thresholds required to predict the impact of this variant on KCNH1 protein function. In summary, the available evidence is currently insufficient to determine the role of this variant in disease. Therefore, it has been classified as a Variant of Uncertain Significance.

NM_172362.3(KCNH1):c.2704G>C (p.Asp902His)

Gene: KCNH1 (potassium voltage-gated channel subfamily H member 1; minus strand). Cytogenetic location: 1q32.2.
Variant type: single nucleotide variant.
Coding change: c.2704G>C on transcript NM_172362.3 (MANE Select); coding-DNA position 2704, G replaced by C.
Protein change: p.Asp902His; replaces aspartic acid 902 with histidine.
Molecular consequence: missense variant.
Genome position (GRCh38, 1-based): chr1:210,683,547, C>G on the plus strand (G>C on the coding strand, the complement: KCNH1 is on the minus strand). VCF-style: chr1-210683547-C-G. GRCh37 (hg19) VCF-style: chr1-210856889-C-G.
Other names: c.2623G>C, p.Asp875His (NM_002238.4); short protein forms D902H, D875H.
Identifiers: ClinVar variation 2190528 (VCV002190528.4), dbSNP rs764512550, ClinGen allele CA344870606.